The following is an entry in ClinVar:

NM_000264.5(PTCH1):c.394G>A (p.Val132Ile)

Gene: PTCH1 (patched 1; minus strand). Cytogenetic location: 9q22.32.
Variant type: single nucleotide variant.
Coding change: c.394G>A on transcript NM_000264.5 (MANE Select); coding-DNA position 394, G replaced by A.
Protein change: p.Val132Ile; replaces valine 132 with isoleucine.
Molecular consequence: missense variant. On other transcripts: 5 prime UTR variant (4), non-coding transcript variant (1).
Genome position (GRCh38, 1-based): chr9:95,506,407, C>T on the plus strand (G>A on the coding strand, the complement: PTCH1 is on the minus strand). VCF-style: chr9-95506407-C-T. GRCh37 (hg19) VCF-style: chr9-98268689-C-T.
Other names: c.196G>A, p.Val66Ile (NM_001083602.3, NM_001354919.2); c.391G>A, p.Val131Ile (NM_001083603.3); c.-60G>A (NM_001083604.3, NM_001083605.3, NM_001083606.3 and 1 more transcripts); c.394G>A, p.Val132Ile (NM_001354918.2); short protein forms V131I, V132I, V66I.
Identifiers: ClinVar variation 3235225 (VCV003235225.1), dbSNP rs2118873119.

ClinVar aggregate classification (germline): Uncertain significance (1 of 4 stars; one submission).

Conditions:
Holoprosencephaly 7 (HPE7). Identifiers: Orphanet 2162, MedGen C1835820, MONDO:0012562, OMIM 610828.

Submission:

MVZ Medizinische Genetik Mainz
Classification: Uncertain significance for Holoprosencephaly 7. Last evaluated: 2021-10-05. Review status: criteria provided, single submitter. Criteria: UK Practice Guidelines For Variant Classification V4 01 2020. Collection method: clinical testing. Allele origin: germline. Inheritance: Autosomal dominant inheritance. Affected: yes. Observed: 1 variant allele.
Comment: ACMG Criteria: PM2_SUP, PP3